The following is an entry in ClinVar:

ClinVar aggregate classification (germline): Benign/Likely benign. Review status: criteria provided, multiple submitters, no conflicts (2 of 4 stars). 7 submissions from 7 submitters: Benign (5); Likely benign (2). Last evaluated 2026-09-01.

Conditions:
ITPR1-related disorder. Also called: ITPR1-related condition.

Allele frequency attached by ClinVar (database versions not stated): gnomAD exomes 0.00029 and 0.00065; ExAC 0.00082; ESP Exome Variant Server 0.00231; 1000 Genomes Project 30x 0.00234; 1000 Genomes Project 0.00240; gnomAD 0.00304 and 0.00328; TOPMed 0.00345.
gnomAD v4.1: 941 of 1,613,956 alleles (0.058%); highest among the groups gnomAD compares: African/African-American, 1.1%; 2 homozygotes.

Submissions (7):

CeGaT Center for Human Genetics Tuebingen
Classification: Likely benign. Last evaluated: 2026-09-01. Review status: criteria provided, single submitter. Criteria: CeGaT Center For Human Genetics Tuebingen Variant Classification Criteria Version 2. Collection method: clinical testing. Allele origin: germline. Affected: yes. Observed: 1 variant allele.
Comment: ITPR1: BP4, BP7, BS1

Labcorp Genetics (formerly Invitae), Labcorp
Classification: Benign. Last evaluated: 2026-01-04. Review status: criteria provided, single submitter. Criteria: Invitae Variant Classification Sherloc (09022015). Collection method: clinical testing. Allele origin: germline.

PreventionGenetics, part of Exact Sciences
Classification: Benign for ITPR1-related condition. Last evaluated: 2025-06-26. Review status: criteria provided, single submitter. Criteria: ACMG Guidelines, 2015. Collection method: clinical testing. Allele origin: germline.
Comment: This variant is classified as benign based on ACMG/AMP sequence variant interpretation guidelines (Richards et al. 2015 PMID: 25741868, with internal and published modifications).

Blueprint Genetics
Classification: Likely benign. Last evaluated: 2024-11-13. Review status: criteria provided, single submitter. Criteria: ACMG Guidelines, 2015. Collection method: clinical testing. Allele origin: germline.

Athena Diagnostics
Classification: Benign. Last evaluated: 2024-05-31. Review status: criteria provided, single submitter. Criteria: Athena Diagnostics Criteria. Collection method: clinical testing. Allele origin: unknown.

GeneDx
Classification: Benign. Last evaluated: 2019-01-14. Review status: criteria provided, single submitter. Criteria: GeneDx Variant Classification Process June 2021. Collection method: clinical testing. Allele origin: germline. Affected: yes.

Breakthrough Genomics
Classification: Benign. Review status: criteria provided, single submitter. Criteria: ACMG Guidelines, 2015. Collection method: not provided. Allele origin: germline. Inheritance: Autosomal dominant inheritance. Affected: yes.

NM_001378452.1(ITPR1):c.2334C>T (p.Leu778=)

Gene: ITPR1 (inositol 1,4,5-trisphosphate receptor type 1; plus strand). Cytogenetic location: 3p26.1.
Variant type: single nucleotide variant.
Coding change: c.2334C>T on transcript NM_001378452.1 (MANE Select); coding-DNA position 2334, C replaced by T.
Protein change: p.Leu778=; no amino-acid change (leucine 778 retained).
Molecular consequence: synonymous variant.
Genome position (GRCh38, 1-based): chr3:4,673,265, C>T. VCF-style: chr3-4673265-C-T. GRCh37 (hg19) VCF-style: chr3-4714949-C-T.
Other names: c.2334C>T, p.Leu778= (NM_001099952.4); c.2289C>T, p.Leu763= (NM_001168272.2, NM_002222.7).
Identifiers: ClinVar variation 775841 (VCV000775841.17), dbSNP rs36103112, ClinGen allele CA2231397.
Genomic context (GRCh38, chr3:4,673,265, plus strand): 5'-CCAGCTGGATGTCGATCTCATTCTCCGCTGCATGTCTGACGAGAACCTGCCCTATGACCT[C>T]AGGGCGTCCTTCTGCCGCCTCATGCTTCACATGCATGTGGACCGAGATCCCCAGGAACAA-3'
Protein context (NP_001365381.1, residues 768-788): CMSDENLPYD[Leu778=]RASFCRLMLH